The following is an entry in ClinVar:

ClinVar aggregate classification (germline): Pathogenic/Likely pathogenic. Review status: criteria provided, multiple submitters, no conflicts (2 of 4 stars). 5 submissions from 5 submitters: Pathogenic (2); Likely pathogenic (1). 2 of the submissions do not count toward it. Last evaluated 2025-07-07.

Conditions:
Type 2 diabetes mellitus. Also called: Type II diabetes mellitus. Identifiers: MedGen C0011860, MeSH D003924, MONDO:0005148, OMIM 125853, HP:0005978.
Pyruvate kinase deficiency of red cells (CNSHA2). Also called: Pyruvate kinase deficiency, Amish type; PK DEFICIENCY; PYRUVATE KINASE DEFICIENCY OF ERYTHROCYTE. Identifiers: Orphanet 766, MedGen C0340968, MONDO:0009950, OMIM 266200.

Allele frequency attached by ClinVar (database versions not stated): gnomAD 0.00001; TOPMed 0.00001; gnomAD exomes 0.00001.

Submissions (5):

Institute of Human Genetics, University of Leipzig Medical Center
Classification: Pathogenic for Pyruvate kinase deficiency of red cells. Last evaluated: 2025-07-07. Review status: criteria provided, single submitter. Criteria: ACMG Guidelines, 2015. Collection method: clinical testing. Allele origin: unknown. Inheritance: Autosomal recessive inheritance. Affected: yes.
Comment: Criteria applied: PS3,PM3,PS4_SUP,PM1_SUP,PM2_SUP,PP3

Revvity Omics, Revvity
Classification: Likely pathogenic. Last evaluated: 2024-10-23. Review status: criteria provided, single submitter. Criteria: ACMG Guidelines, 2015. Collection method: clinical testing. Allele origin: germline.

Labcorp Genetics (formerly Invitae), Labcorp
Classification: Pathogenic. Last evaluated: 2024-06-04. Review status: criteria provided, single submitter. Criteria: Invitae Variant Classification Sherloc (09022015). Collection method: clinical testing. Allele origin: germline.
Comment: This sequence change replaces threonine, which is neutral and polar, with methionine, which is neutral and non-polar, at codon 384 of the PKLR protein (p.Thr384Met). This variant is present in population databases (rs74315362, gnomAD 0.006%). This missense change has been observed in individual(s) with hemolytic anemia (PMID: 1896471, 7948315). It has also been observed to segregate with disease in related individuals. ClinVar contains an entry for this variant (Variation ID: 1507). Advanced modeling of protein sequence and biophysical properties (such as structural, functional, and spatial information, amino acid conservation, physicochemical variation, residue mobility, and thermodynamic stability) performed at Invitae indicates that this missense variant is expected to disrupt PKLR protein function with a positive predictive value of 80%. Experimental studies have shown that this missense change affects PKLR function (PMID: 1896471, 11960989). For these reasons, this variant has been classified as Pathogenic.

Gene Friend Way, National Innovation Center
Classification: Likely pathogenic for Type 2 diabetes mellitus. Last evaluated: 2025-01-01. Review status: no assertion criteria provided. Collection method: clinical testing. Allele origin: unknown. Affected: yes. Observed: 1 variant allele. Not counted in ClinVar's aggregate classification.
Comment: This missense variant has been predicted to disrupt PKLR protein function by in silico analysis. PKLR plays roles in maintaining blood glucose homeostasis (PMID: 40221236). PKLR is a causal gene for developing insulin resistance, steatosis, and altered plasma cholesterol levels (PMID: 32942044). There is conflicting evidence regarding the link between the PKLR gene variant rs3020781 and Type 2 Diabetes (T2D) in European populations (PMID: 19111066).

OMIM
Classification: Pathogenic for ANEMIA, CONGENITAL, NONSPHEROCYTIC HEMOLYTIC, 2. Last evaluated: 1991-09-15. Review status: no assertion criteria provided. Collection method: literature only. Allele origin: germline. Not counted in ClinVar's aggregate classification.

Literature cited by the submitters: PubMed 1896471 (cited by Labcorp Genetics (formerly Invitae), Labcorp and OMIM); PubMed 7948315 (cited by Labcorp Genetics (formerly Invitae), Labcorp); PubMed 11960989 (cited by Labcorp Genetics (formerly Invitae), Labcorp); PubMed 40221236 (cited by Gene Friend Way, National Innovation Center); PubMed 32942044 (cited by Gene Friend Way, National Innovation Center); PubMed 19111066 (cited by Gene Friend Way, National Innovation Center).

NM_000298.6(PKLR):c.1151C>T (p.Thr384Met)

Gene: PKLR (pyruvate kinase L/R; minus strand). Cytogenetic location: 1q22.
Variant type: single nucleotide variant.
Coding change: c.1151C>T on transcript NM_000298.6 (MANE Select); coding-DNA position 1151, C replaced by T.
Protein change: p.Thr384Met; replaces threonine 384 with methionine.
Molecular consequence: missense variant.
Genome position (GRCh38, 1-based): chr1:155,293,556, G>A on the plus strand (C>T on the coding strand, the complement: PKLR is on the minus strand). VCF-style: chr1-155293556-G-A. GRCh37 (hg19) VCF-style: chr1-155263347-G-A.
Other names: c.1151C>T, p.Thr384Met (LRG_1136t1); c.1058C>T, p.Thr353Met (NM_181871.4); short protein forms T353M, T384M.
Identifiers: ClinVar variation 1507 (VCV000001507.7), dbSNP rs74315362, ClinGen allele CA215075.